The following is an entry in ClinVar:

NM_001080508.3(TBX18):c.1677G>A (p.Pro559=)

Gene: TBX18 (T-box transcription factor 18; minus strand). Cytogenetic location: 6q14.3.
Variant type: single nucleotide variant.
Coding change: c.1677G>A on transcript NM_001080508.3 (MANE Select); coding-DNA position 1677, G replaced by A.
Protein change: p.Pro559=; no amino-acid change (proline 559 retained).
Molecular consequence: synonymous variant.
Genome position (GRCh38, 1-based): chr6:84,736,832, C>T on the plus strand (G>A on the coding strand, the complement: TBX18 is on the minus strand). VCF-style: chr6-84736832-C-T. GRCh37 (hg19) VCF-style: chr6-85446550-C-T.
Identifiers: ClinVar variation 728287 (VCV000728287.11), dbSNP rs141651641, ClinGen allele CA3910797.
Genomic context (GRCh38, chr6:84,736,832, plus strand): 5'-GCTAAGCAGGTGCACTCCTTCCACAGGGGGCAACATCTGCCGATCCGTCATGGTCCCACT[C>T]GGTGAGGACCCCAAGAAACTTCCTTGGGAAGAAACAATTTTCTCAGGACTGGCAGCCAGT-3'
Protein context (NP_001073977.1, residues 549-569): SSQGSFLGSS[Pro559=]SGTMTDRQML

ClinVar aggregate classification (germline): Likely benign. Review status: criteria provided, multiple submitters, no conflicts (2 of 4 stars). 3 submissions from 3 submitters: Likely benign (3). Last evaluated 2026-05-11.

Conditions:
TBX18-related disorder. Also called: TBX18-related condition.

Allele frequency attached by ClinVar (database versions not stated): ESP Exome Variant Server 0.00015; 1000 Genomes Project 30x 0.00016; 1000 Genomes Project 0.00020; gnomAD 0.00021 and 0.00024; gnomAD exomes 0.00021; TOPMed 0.00024; ExAC 0.00030.
gnomAD v4.1: 446 of 1,613,982 alleles (0.028%); highest among the groups gnomAD compares: Middle Eastern, 0.12%; no homozygotes.

Submissions (3):

PreventionGenetics, part of Exact Sciences
Classification: Likely benign for TBX18-related condition. Last evaluated: 2026-05-11. Review status: criteria provided, single submitter. Criteria: ACMG Guidelines, 2015. Collection method: clinical testing. Allele origin: germline.
Comment: This variant is classified as likely benign based on ACMG/AMP sequence variant interpretation guidelines (Richards et al. 2015 PMID: 25741868, with internal and published modifications).

Labcorp Genetics (formerly Invitae), Labcorp
Classification: Likely benign. Last evaluated: 2025-09-15. Review status: criteria provided, single submitter. Criteria: Invitae Variant Classification Sherloc (09022015). Collection method: clinical testing. Allele origin: germline.

Breakthrough Genomics
Classification: Likely benign. Review status: criteria provided, single submitter. Criteria: ACMG Guidelines, 2015. Collection method: not provided. Allele origin: germline. Inheritance: Autosomal dominant inheritance. Affected: yes.